The following is an entry in ClinVar:

NM_024757.5(EHMT1):c.3252C>T (p.Tyr1084=)

Gene: EHMT1 (euchromatic histone lysine methyltransferase 1; plus strand). Cytogenetic location: 9q34.3.
Variant type: single nucleotide variant.
Coding change: c.3252C>T on transcript NM_024757.5 (MANE Select); coding-DNA position 3252, C replaced by T.
Protein change: p.Tyr1084=; no amino-acid change (tyrosine 1084 retained).
Molecular consequence: synonymous variant.
Genome position (GRCh38, 1-based): chr9:137,814,502, C>T. VCF-style: chr9-137814502-C-T. GRCh37 (hg19) VCF-style: chr9-140708954-C-T.
Other names: c.3231C>T, p.Tyr1077= (NM_001354263.2).
Identifiers: ClinVar variation 720191 (VCV000720191.20), dbSNP rs368087892, ClinGen allele CA5375222.

ClinVar aggregate classification (germline): Likely benign. Review status: criteria provided, multiple submitters, no conflicts (2 of 4 stars). 4 submissions from 4 submitters: Likely benign (4). Last evaluated 2025-11-28.

Conditions:
Kleefstra syndrome 1 (KLEFS1). Identifiers: Orphanet 261494, MedGen C0795833, MONDO:0027407, OMIM 610253.

Allele frequency attached by ClinVar (database versions not stated): gnomAD 0.00009 and 0.00011; gnomAD exomes 0.00013 and 0.00007; ExAC 0.00005; TOPMed 0.00007; ESP Exome Variant Server 0.00008.
gnomAD v4.1: 194 of 1,606,324 alleles (0.012%); highest among the groups gnomAD compares: Non-Finnish European, 0.015%; no homozygotes.

Submissions (4):

Labcorp Genetics (formerly Invitae), Labcorp
Classification: Likely benign for Kleefstra syndrome 1. Last evaluated: 2025-11-28. Review status: criteria provided, single submitter. Criteria: Invitae Variant Classification Sherloc (09022015). Collection method: clinical testing. Allele origin: germline.

CeGaT Center for Human Genetics Tuebingen
Classification: Likely benign. Last evaluated: 2025-11-01. Review status: criteria provided, single submitter. Criteria: CeGaT Center For Human Genetics Tuebingen Variant Classification Criteria Version 2. Collection method: clinical testing. Allele origin: germline. Affected: yes. Observed: 1 variant allele.
Comment: EHMT1: BP4, BP7

Blueprint Genetics
Classification: Likely benign. Last evaluated: 2024-08-31. Review status: criteria provided, single submitter. Criteria: ACMG Guidelines, 2015. Collection method: clinical testing. Allele origin: germline.

GeneDx
Classification: Likely benign. Last evaluated: 2021-05-17. Review status: criteria provided, single submitter. Criteria: GeneDx Variant Classification Process June 2021. Collection method: clinical testing. Allele origin: germline. Affected: yes.